The following is an entry in ClinVar:

ClinVar aggregate classification (germline): Conflicting classifications of pathogenicity. Review status: criteria provided, conflicting classifications (1 of 4 stars). 3 submissions from 3 submitters: Likely pathogenic (1); Uncertain significance (2). Last evaluated 2024-03-25.

Conditions:
Multiple acyl-CoA dehydrogenase deficiency (MADD). Also called: ETHYLMALONIC-ADIPICACIDURIA; GA II; Glutaric aciduria, type 2; Glutaric acidemia type II; GA 2; Glutaric Acidemia type 2. Identifiers: Orphanet 26791, MedGen C0268596, MONDO:0009282, OMIM 231680.

Allele frequency attached by ClinVar (database versions not stated): gnomAD exomes below 0.00001; gnomAD 0.00001; TOPMed 0.00002.
gnomAD v4.1: 3 of 1,612,636 alleles (0.00019%); highest among the groups gnomAD compares: African/African-American, 0.004%; no homozygotes.

Submissions (3):

Labcorp Genetics (formerly Invitae), Labcorp
Classification: Uncertain significance for Multiple acyl-CoA dehydrogenase deficiency. Last evaluated: 2024-03-25. Review status: criteria provided, single submitter. Criteria: Invitae Variant Classification Sherloc (09022015). Collection method: clinical testing. Allele origin: germline.
Comment: This sequence change replaces phenylalanine, which is neutral and non-polar, with tyrosine, which is neutral and polar, at codon 340 of the ETFDH protein (p.Phe340Tyr). This variant is present in population databases (no rsID available, gnomAD 0.01%). This variant has not been reported in the literature in individuals affected with ETFDH-related conditions. ClinVar contains an entry for this variant (Variation ID: 429351). Advanced modeling of protein sequence and biophysical properties (such as structural, functional, and spatial information, amino acid conservation, physicochemical variation, residue mobility, and thermodynamic stability) has been performed at Invitae for this missense variant, however the output from this modeling did not meet the statistical confidence thresholds required to predict the impact of this variant on ETFDH protein function. In summary, the available evidence is currently insufficient to determine the role of this variant in disease. Therefore, it has been classified as a Variant of Uncertain Significance.

Women's Health and Genetics/Laboratory Corporation of America, LabCorp
Classification: Uncertain significance. Last evaluated: 2022-08-01. Review status: criteria provided, single submitter. Criteria: LabCorp Variant Classification Summary - May 2015. Collection method: clinical testing. Allele origin: germline.
Comment: Variant summary: ETFDH c.1019T>A (p.Phe340Tyr) results in a conservative amino acid change in the encoded protein sequence. Four of five in-silico tools predict a damaging effect of the variant on protein function. The variant allele was found at a frequency of 4e-06 in 251394 control chromosomes. c.1019T>A has been reported in the literature in one individual affected with Glutaric Aciduria, Type 2c. These data indicate that the variant may be associated with disease. To our knowledge, no experimental evidence demonstrating an impact on protein function has been reported. Two clinical diagnostic laboratories have submitted clinical-significance assessments for this variant to ClinVar after 2014 without evidence for independent evaluation. One laboratory classified the variant as likely pathogenic, and one laboratory classified the variant as uncertain significance. Based on the evidence outlined above, the variant was classified as VUS-possibly pathogenic.

GeneDx
Classification: Likely pathogenic. Last evaluated: 2018-04-27. Review status: criteria provided, single submitter. Criteria: GeneDx Variant Classification (06012015). Collection method: clinical testing. Allele origin: germline. Affected: yes.
Comment: The F340Y variant has not been published as a pathogenic variant, nor has it been reported as abenign variant to our knowledge. The F340Y variant is not observed in large population cohorts (Leket al., 2016; 1000 Genomes Consortium et al., 2015; Exome Variant Server). The F340Y variant is anon-conservative amino acid substitution, which is likely to impact secondary protein structure asthese residues differ in polarity, charge, size and/or other properties. This substitution occurs at aposition where amino acids with similar properties to Phenylalanine are tolerated across species. Insilico analysis predicts this variant is probably damaging to the protein structure/function. In summary,the F340Y variant is likely pathogenic.

NM_004453.4(ETFDH):c.1019T>A (p.Phe340Tyr)

Gene: ETFDH (electron transfer flavoprotein dehydrogenase; plus strand). Cytogenetic location: 4q32.1.
Variant type: single nucleotide variant.
Coding change: c.1019T>A on transcript NM_004453.4 (MANE Select); coding-DNA position 1019, T replaced by A.
Protein change: p.Phe340Tyr; replaces phenylalanine 340 with tyrosine.
Molecular consequence: missense variant.
Genome position (GRCh38, 1-based): chr4:158,699,033, T>A. VCF-style: chr4-158699033-T-A. GRCh37 (hg19) VCF-style: chr4-159620185-T-A.
Other names: c.878T>A, p.Phe293Tyr (NM_001281737.2); c.836T>A, p.Phe279Tyr (NM_001281738.1); short protein forms F340Y, F279Y, F293Y.
Identifiers: ClinVar variation 429351 (VCV000429351.11), dbSNP rs1131691336, ClinGen allele CA358562056.